The following is an entry in ClinVar:

NM_004036.5(ADCY3):c.632A>C (p.Gln211Pro)

Gene: ADCY3 (adenylate cyclase 3; minus strand). Cytogenetic location: 2p23.3.
Variant type: single nucleotide variant.
Coding change: c.632A>C on transcript NM_004036.5 (MANE Select); coding-DNA position 632, A replaced by C.
Protein change: p.Gln211Pro; replaces glutamine 211 with proline.
Molecular consequence: missense variant.
Genome position (GRCh38, 1-based): chr2:24,918,356, T>G on the plus strand (A>C on the coding strand, the complement: ADCY3 is on the minus strand). VCF-style: chr2-24918356-T-G. GRCh37 (hg19) VCF-style: chr2-25141225-T-G.
Other names: c.632A>C, p.Gln211Pro (NM_001320613.2, NM_001377128.1, NM_001377129.1 and 2 more transcripts); short protein forms Q211P.
Identifiers: ClinVar variation 4977741 (VCV004977741.1).

ClinVar aggregate classification (germline): Uncertain significance (1 of 4 stars; one submission).

Conditions:
ADCY3-related disorder. Also called: ADCY3-related condition.

gnomAD v4.1: 19 of 1,599,148 alleles (0.0012%); highest among the groups gnomAD compares: Non-Finnish European, 0.0015%; no homozygotes.

Submission:

PreventionGenetics, part of Exact Sciences
Classification: Uncertain significance for ADCY3-related condition. Last evaluated: 2026-08-05. Review status: criteria provided, single submitter. Criteria: ACMG Guidelines, 2015. Collection method: clinical testing. Allele origin: germline.
Comment: The ADCY3 c.632A>C variant is predicted to result in the amino acid substitution p.Gln211Pro. To our knowledge, this variant has not been reported in the literature or in a large population database, indicating this variant is rare. At this time, the clinical significance of this variant is uncertain due to the absence of conclusive functional and genetic evidence.